The following is an entry in ClinVar:

NM_000083.3(CLCN1):c.1167-196C>G

Gene: CLCN1 (chloride voltage-gated channel 1; plus strand). Cytogenetic location: 7q34.
Variant type: single nucleotide variant.
Coding change: c.1167-196C>G on transcript NM_000083.3 (MANE Select); 196 bases into the intron before coding-DNA position 1167, C replaced by G.
Molecular consequence: intron variant.
Genome position (GRCh38, 1-based): chr7:143,332,223, C>G. VCF-style: chr7-143332223-C-G. GRCh37 (hg19) VCF-style: chr7-143029316-C-G.
Identifiers: ClinVar variation 679407 (VCV000679407.1), dbSNP rs145398452, ClinGen allele CA168213733.
Genomic context (GRCh38, chr7:143,332,223, plus strand): 5'-CATGTTGGCCAGGCTGGTCTTGAACTTGTGACCTAAGGTGATCTGCCCACCTTGGCCTCC[C>G]AAAGTGCCCCATGGGATTAGAGGCATGAGCCACCGCACTCGGCCTCAAATATTGGTTTTT-3'

ClinVar aggregate classification (germline): Likely benign (1 of 4 stars; one submission).

Allele frequency attached by ClinVar (database versions not stated): gnomAD 0.00599; 1000 Genomes Project 0.00659; TOPMed 0.00679; 1000 Genomes Project 30x 0.00703.
gnomAD v4.1: 846 of 152,316 alleles (0.56%); highest among the groups gnomAD compares: African/African-American, 1.9%; 14 homozygotes.

Submission:

GeneDx
Classification: Likely benign. Last evaluated: 2018-06-18. Review status: criteria provided, single submitter. Criteria: GeneDx Variant Classification (06012015). Collection method: clinical testing. Allele origin: germline. Affected: yes.
Comment: This variant is considered likely benign or benign based on one or more of the following criteria: it is a conservative change, it occurs at a poorly conserved position in the protein, it is predicted to be benign by multiple in silico algorithms, and/or has population frequency not consistent with disease.